The following is an entry in ClinVar:

NM_000548.5(TSC2):c.1899C>G (p.Asn633Lys)

Gene: TSC2 (TSC complex subunit 2; plus strand). Cytogenetic location: 16p13.3.
Variant type: single nucleotide variant.
Coding change: c.1899C>G on transcript NM_000548.5 (MANE Select); coding-DNA position 1899, C replaced by G.
Protein change: p.Asn633Lys; replaces asparagine 633 with lysine.
Molecular consequence: missense variant.
Genome position (GRCh38, 1-based): chr16:2,071,569, C>G. VCF-style: chr16-2071569-C-G. GRCh37 (hg19) VCF-style: chr16-2121570-C-G.
Other names: c.1899C>G, p.Asn633Lys (NM_001077183.3, NM_001114382.3, NM_001363528.2 and 3 more transcripts); c.1788C>G, p.Asn596Lys (NM_001318827.2); c.1752C>G, p.Asn584Lys (NM_001318829.2); c.1299C>G, p.Asn433Lys (NM_001318831.2); c.1932C>G, p.Asn644Lys (NM_001318832.2); short protein forms N633K, N584K, N433K, N596K, N644K.
Identifiers: ClinVar variation 958829 (VCV000958829.9), dbSNP rs2088398113, ClinGen allele CA394273149.
Genomic context (GRCh38, chr16:2,071,569, plus strand): 5'-GGCCTTTGACTTCCTGTTGCTGCTGCGGGCCGACTCACTGCACCGCCTGGGCCTGCCCAA[C>G]AAGGATGGAGTCGTGCGGTTCAGCCCCTACTGCGTCTGCGACTACATGTACGCGGGACCT-3'
Protein context (NP_000539.2, residues 623-643): ADSLHRLGLP[Asn633Lys]KDGVVRFSPY

ClinVar aggregate classification (germline): Uncertain significance (1 of 4 stars; one submission).

Conditions:
Tuberous sclerosis 2 (TSC2). Identifiers: Orphanet 805, MedGen C1860707, MONDO:0013199, OMIM 613254.

Submission:

Labcorp Genetics (formerly Invitae), Labcorp
Classification: Uncertain significance for Tuberous sclerosis 2. Last evaluated: 2019-11-12. Review status: criteria provided, single submitter. Criteria: Invitae Variant Classification Sherloc (09022015). Collection method: clinical testing. Allele origin: germline.
Comment: Algorithms developed to predict the effect of missense changes on protein structure and function (SIFT, PolyPhen-2, Align-GVGD) all suggest that this variant is likely to be tolerated, but these predictions have not been confirmed by published functional studies and their clinical significance is uncertain. In summary, the available evidence is currently insufficient to determine the role of this variant in disease. Therefore, it has been classified as a Variant of Uncertain Significance. This variant has not been reported in the literature in individuals with TSC2-related conditions. This variant is not present in population databases (ExAC no frequency). This sequence change replaces asparagine with lysine at codon 633 of the TSC2 protein (p.Asn633Lys). The asparagine residue is moderately conserved and there is a moderate physicochemical difference between asparagine and lysine.